The following is an entry in ClinVar:

NM_004082.5(DCTN1):c.3519C>T (p.Arg1173=)

Gene: DCTN1 (dynactin subunit 1; minus strand). Cytogenetic location: 2p13.1.
Variant type: single nucleotide variant.
Coding change: c.3519C>T on transcript NM_004082.5 (MANE Select); coding-DNA position 3519, C replaced by T.
Protein change: p.Arg1173=; no amino-acid change (arginine 1173 retained).
Molecular consequence: synonymous variant. On other transcripts: non-coding transcript variant (1).
Genome position (GRCh38, 1-based): chr2:74,363,004, G>A on the plus strand (C>T on the coding strand, the complement: DCTN1 is on the minus strand). VCF-style: chr2-74363004-G-A. GRCh37 (hg19) VCF-style: chr2-74590131-G-A.
Other names: c.3444C>T, p.Arg1148= (NM_001135040.3); c.3102C>T, p.Arg1034= (NM_001135041.3); c.3393C>T, p.Arg1131= (NM_001190836.2); c.3498C>T, p.Arg1166= (NM_001190837.2); c.3468C>T, p.Arg1156= (NM_001378991.1); c.3450C>T, p.Arg1150= (NM_001378992.1); c.3117C>T, p.Arg1039= (NM_023019.4).
Identifiers: ClinVar variation 337072 (VCV000337072.28), dbSNP rs146094433, ClinGen allele CA1721472.

ClinVar aggregate classification (germline): Benign/Likely benign. Review status: criteria provided, multiple submitters, no conflicts (2 of 4 stars). 8 submissions from 7 submitters: Benign (5); Likely benign (3). Last evaluated 2026-02-02.

Conditions:
Inborn genetic diseases. Identifiers: MedGen C0950123, MeSH D030342.
Neuronopathy, distal hereditary motor, type 7B. Also called: Distal Hereditary Motor Neuronopathy Type 7B (dHMN7B); HMN VIIB; LOWER MOTOR NEURON DISEASE, DYNACTIN TYPE; NEURONOPATHY, DISTAL HEREDITARY MOTOR, AUTOSOMAL DOMINANT 14; NEURONOPATHY, DISTAL HEREDITARY MOTOR, HARDING TYPE VIIB; NEUROPATHY, DISTAL HEREDITARY MOTOR, HARDING TYPE VIIB. Identifiers: Orphanet 139589, MedGen C1843315, MONDO:0011879, OMIM 607641.
Perry syndrome. Also called: PARKINSONISM WITH ALVEOLAR HYPOVENTILATION AND MENTAL DEPRESSION. Identifiers: Orphanet 178509, MedGen C1868594, MONDO:0008201, OMIM 168605.
Amyotrophic lateral sclerosis type 1 (ALS1). Also called: AMYOTROPHIC LATERAL SCLEROSIS 1, FAMILIAL. Identifiers: Orphanet 803, MedGen C1862939, MONDO:0007103, OMIM 105400.

Allele frequency attached by ClinVar (database versions not stated): gnomAD 0.00002 and 0.00018; TOPMed 0.00006; ESP Exome Variant Server 0.00008; gnomAD exomes 0.00039 and 0.00091; ExAC 0.00105; 1000 Genomes Project 30x 0.00203; 1000 Genomes Project 0.00220.
gnomAD v4.1: 601 of 1,613,088 alleles (0.037%); highest among the groups gnomAD compares: South Asian, 0.6%; 11 homozygotes.

Submissions (8):

Labcorp Genetics (formerly Invitae), Labcorp
Classification: Benign for Amyotrophic lateral sclerosis type 1; Neuronopathy, distal hereditary motor, type 7B; Perry syndrome. Last evaluated: 2026-02-02. Review status: criteria provided, single submitter. Criteria: Invitae Variant Classification Sherloc (09022015). Collection method: clinical testing. Allele origin: germline.

CeGaT Center for Human Genetics Tuebingen
Classification: Likely benign. Last evaluated: 2025-12-01. Review status: criteria provided, single submitter. Criteria: CeGaT Center For Human Genetics Tuebingen Variant Classification Criteria Version 2. Collection method: clinical testing. Allele origin: germline. Affected: yes. Observed: 1 variant allele.
Comment: DCTN1: BP4, BP7

Blueprint Genetics
Classification: Likely benign. Last evaluated: 2024-07-23. Review status: criteria provided, single submitter. Criteria: ACMG Guidelines, 2015. Collection method: clinical testing. Allele origin: germline.

ARUP Laboratories, Molecular Genetics and Genomics, ARUP Laboratories
Classification: Benign. Last evaluated: 2022-02-05. Review status: criteria provided, single submitter. Criteria: ARUP Molecular Germline Variant Investigation Process 2021. Collection method: clinical testing. Allele origin: germline.

Ambry Genetics
Classification: Likely benign for Inborn genetic diseases. Last evaluated: 2019-07-11. Review status: criteria provided, single submitter. Criteria: Ambry Variant Classification Scheme 2023. Collection method: clinical testing. Allele origin: germline.

Illumina Laboratory Services, Illumina
Classification: Benign for Perry syndrome. Last evaluated: 2018-01-12. Review status: criteria provided, single submitter. Criteria: ICSL Variant Classification Criteria 13 December 2019. Collection method: clinical testing. Allele origin: germline.
Comment: This variant was observed in the ICSL laboratory as part of a predisposition screen in an ostensibly healthy population. It had not been previously curated by ICSL or reported in the Human Gene Mutation Database (HGMD: prior to June 1st, 2018), and was therefore a candidate for classification through an automated scoring system. Utilizing variant allele frequency, disease prevalence and penetrance estimates, and inheritance mode, an automated score was calculated to assess if this variant is too frequent to cause the disease. Based on the score and internal cut-off values, a variant classified as benign is not then subjected to further curation. The score for this variant resulted in a classification of benign for this disease.

Illumina Laboratory Services, Illumina
Classification: Benign for Neuronopathy, distal hereditary motor, type 7B. Last evaluated: 2018-01-12. Review status: criteria provided, single submitter. Criteria: ICSL Variant Classification Criteria 13 December 2019. Collection method: clinical testing. Allele origin: germline.
Comment: the same text as in the submission from Illumina Laboratory Services, Illumina above.

Athena Diagnostics
Classification: Benign. Last evaluated: 2016-08-12. Review status: criteria provided, single submitter. Criteria: Athena Diagnostics Criteria. Collection method: clinical testing. Allele origin: germline.